The following is an entry in ClinVar:

ClinVar aggregate classification (germline): Benign/Likely benign. Review status: criteria provided, multiple submitters, no conflicts (2 of 4 stars). 7 submissions from 7 submitters: Benign (3); Likely benign (2). 2 of the submissions do not count toward it. Last evaluated 2026-01-27.

Conditions:
BNC2-related disorder. Also called: BNC2-related condition.
Hypotension. Also called: low blood pressure; Hypotensive disorder. Identifiers: MedGen C0020649, MONDO:0005468, HP:0002615, MeSH D007022.

Allele frequency attached by ClinVar (database versions not stated): 1000 Genomes Project 0.00899; 1000 Genomes Project 30x 0.00968; TOPMed 0.01895; gnomAD 0.01947 and 0.01981; ESP Exome Variant Server 0.02483.
gnomAD v4.1: 47,608 of 1,614,110 alleles (2.9%); highest among the groups gnomAD compares: Non-Finnish European, 3.6%; 848 homozygotes.

Submissions (7):

Labcorp Genetics (formerly Invitae), Labcorp
Classification: Benign. Last evaluated: 2026-01-27. Review status: criteria provided, single submitter. Criteria: Invitae Variant Classification Sherloc (09022015). Collection method: clinical testing. Allele origin: germline.

CeGaT Center for Human Genetics Tuebingen
Classification: Benign. Last evaluated: 2022-11-01. Review status: criteria provided, single submitter. Criteria: CeGaT Center For Human Genetics Tuebingen Variant Classification Criteria Version 2. Collection method: clinical testing. Allele origin: germline. Affected: yes. Observed: 1 variant allele.
Comment: BNC2: BP4, BS1, BS2

Laboratory for Molecular Medicine, Mass General Brigham Personalized Medicine
Classification: Likely benign. Last evaluated: 2016-03-29. Review status: criteria provided, single submitter. Criteria: LMM Criteria. Collection method: clinical testing. Allele origin: germline.
Comment: Variant identified in a genome or exome case(s) and assessed due to predicted null impact of the variant or pathogenic assertions in the literature or databases. Disclaimer: This variant has not undergone full assessment. The following are preliminary notes: Frequency in ESP (all): 323/13006= 2.4%

Genomic Diagnostic Laboratory, Division of Genomic Diagnostics, Children's Hospital of Philadelphia
Classification: Benign. Last evaluated: 2015-08-24. Review status: criteria provided, single submitter. Criteria: DGD Variant Analysis Guidelines. Collection method: clinical testing. Allele origin: unknown.

Breakthrough Genomics
Classification: Likely benign. Review status: criteria provided, single submitter. Criteria: ACMG Guidelines, 2015. Collection method: not provided. Allele origin: germline. Inheritance: Autosomal dominant inheritance. Affected: yes.

PreventionGenetics, part of Exact Sciences
Classification: Benign for BNC2-related condition. Last evaluated: 2019-07-15. Review status: no assertion criteria provided. Collection method: clinical testing. Allele origin: germline. Not counted in ClinVar's aggregate classification.
Comment: This variant is classified as benign based on ACMG/AMP sequence variant interpretation guidelines (Richards et al. 2015 PMID: 25741868, with internal and published modifications).

Centre for molecular medicine, Karolinska Institutet
No classification provided. Condition: Hypotension. Review status: no classification provided. Collection method: not provided. Allele origin: unknown. Not counted in ClinVar's aggregate classification.
Comment: hold until published

NM_017637.6(BNC2):c.2768C>T (p.Ala923Val)

Gene: BNC2 (basonuclin zinc finger protein 2; minus strand). Cytogenetic location: 9p22.3.
Variant type: single nucleotide variant.
Coding change: c.2768C>T on transcript NM_017637.6 (MANE Select); coding-DNA position 2768, C replaced by T.
Protein change: p.Ala923Val; replaces alanine 923 with valine.
Molecular consequence: missense variant. On other transcripts: 3 prime UTR variant (1).
Genome position (GRCh38, 1-based): chr9:16,419,521, G>A on the plus strand (C>T on the coding strand, the complement: BNC2 is on the minus strand). VCF-style: chr9-16419521-G-A. GRCh37 (hg19) VCF-style: chr9-16419519-G-A.
Other names: c.*112C>T (NM_001317939.2); c.2483C>T, p.Ala828Val (NM_001317940.2); short protein forms A923V, A828V.
Identifiers: ClinVar variation 120238 (VCV000120238.36), dbSNP rs117452684, ClinGen allele CA204334.